The following is an entry in ClinVar:

NM_004523.4(KIF11):c.1011_1032+5dup

Gene: KIF11 (kinesin family member 11; plus strand). Cytogenetic location: 10q23.33.
Variant type: Duplication.
Coding change: c.1011_1032+5dup on transcript NM_004523.4 (MANE Select); coding-DNA position 1011 through 5 bases into the intron after coding-DNA position 1032, 27 bases duplicated (TCCTGCATCTCTCAATCTTGAGGTAAG).
Molecular consequence: splice donor variant.
Genome position (GRCh38, 1-based): chr10:92,613,598-92,613,624, TCCTGCATCTCTCAATCTTGAGGTAAG duplicated. VCF-style (leftmost placement, unchanged base first): chr10-92613597-C-CTCCTGCATCTCTCAATCTTGAGGTAAG. GRCh37 (hg19) VCF-style: chr10-94373354-C-CTCCTGCATCTCTCAATCTTGAGGTAAG.
Identifiers: ClinVar variation 2037696 (VCV002037696.4), dbSNP rs2492490404, ClinGen allele CA2580082403.

ClinVar aggregate classification (germline): Uncertain significance (1 of 4 stars; one submission).

Submission:

Labcorp Genetics (formerly Invitae), Labcorp
Classification: Uncertain significance. Last evaluated: 2023-11-27. Review status: criteria provided, single submitter. Criteria: Invitae Variant Classification Sherloc (09022015). Collection method: clinical testing. Allele origin: germline.
Comment: This sequence change falls in intron 8 of the KIF11 gene. It does not directly change the encoded amino acid sequence of the KIF11 protein. It affects a nucleotide within the consensus splice site. This variant is not present in population databases (gnomAD no frequency). This variant has not been reported in the literature in individuals affected with KIF11-related conditions. ClinVar contains an entry for this variant (Variation ID: 2037696). Variants that disrupt the consensus splice site are a relatively common cause of aberrant splicing (PMID: 17576681, 9536098). In summary, the available evidence is currently insufficient to determine the role of this variant in disease. Therefore, it has been classified as a Variant of Uncertain Significance.

Literature cited by the submitters: PubMed 17576681; PubMed 9536098.